The following is an entry in ClinVar:

NM_058216.3(RAD51C):c.495_496delinsAT (p.Met165_Val166delinsIlePhe)

Gene: RAD51C (RAD51 paralog C; plus strand). Cytogenetic location: 17q22.
Variant type: Indel.
Coding change: c.495_496delinsAT on transcript NM_058216.3 (MANE Select); coding-DNA positions 495 to 496, GG replaced by AT.
Protein change: p.Met165_Val166delinsIlePhe.
Molecular consequence: missense variant.
Genome position (GRCh38, 1-based): chr17:58,696,783-58,696,784, GG replaced by AT. VCF-style: chr17-58696783-GG-AT. GRCh37 (hg19) VCF-style: chr17-56774144-GG-AT.
Identifiers: ClinVar variation 1744327 (VCV001744327.2), dbSNP rs2509282438, ClinGen allele CA2580094423.

ClinVar aggregate classification (germline): Uncertain significance (1 of 4 stars; one submission).

Conditions:
Hereditary cancer-predisposing syndrome. Also called: Hereditary Cancer Syndrome; Neoplastic Syndromes, Hereditary; Tumor predisposition; Hereditary neoplastic syndrome. Identifiers: Orphanet 140162, MedGen C0027672, MeSH D009386, MONDO:0015356.

Submission:

Ambry Genetics
Classification: Uncertain significance for Hereditary cancer-predisposing syndrome. Last evaluated: 2022-04-08. Review status: criteria provided, single submitter. Criteria: Ambry Variant Classification Scheme 2023. Collection method: clinical testing. Allele origin: germline.
Comment: The c.495_496delGGinsAT variant (also known as p.M165_V166delinsIF), located in coding exon 3 of the RAD51C gene, results from an in-frame deletion of GG and insertion of AT at nucleotide positions 495 to 496. This results in the substitution of methionine and valine residues for a isoleucine and phenylalanine residue at codon 165 and 166. In addition, the in silico prediction for this alteration is inconclusive (Choi Y et al. PLoS ONE. 2012; 7(10):e46688). This amino acid region is well conserved in available vertebrate species. Since supporting evidence is limited at this time, the clinical significance of this alteration remains unclear.